The following is an entry in ClinVar:

ClinVar aggregate classification (germline): Benign/Likely benign. Review status: criteria provided, multiple submitters, no conflicts (2 of 4 stars). 4 submissions from 4 submitters: Benign (1); Likely benign (3). Last evaluated 2025-03-26.

Conditions:
Hereditary diffuse gastric adenocarcinoma (HDGC). Also called: DIFFUSE GASTRIC AND LOBULAR BREAST CANCER SYNDROME. Identifiers: Orphanet 26106, MedGen C1708349, MONDO:0007648, OMIM 137215.
Hereditary cancer-predisposing syndrome. Also called: Tumor predisposition; Hereditary neoplastic syndrome; Hereditary Cancer Syndrome; Neoplastic Syndromes, Hereditary. Identifiers: Orphanet 140162, MedGen C0027672, MeSH D009386, MONDO:0015356.

Allele frequency attached by ClinVar (database versions not stated): gnomAD exomes below 0.00001; TOPMed below 0.00001; gnomAD 0.00001.
gnomAD v4.1: 2 of 1,614,042 alleles (0.00012%); highest among the groups gnomAD compares: Non-Finnish European, 0.00017%; no homozygotes.

Submissions (4):

Labcorp Genetics (formerly Invitae), Labcorp
Classification: Likely benign. Last evaluated: 2025-03-26. Review status: criteria provided, single submitter. Criteria: Invitae Variant Classification Sherloc (09022015). Collection method: clinical testing. Allele origin: germline.

Myriad Genetics, Inc.
Classification: Benign for Hereditary diffuse gastric adenocarcinoma. Last evaluated: 2024-10-14. Review status: criteria provided, single submitter. Criteria: Myriad Autosomal Dominant, Autosomal Recessive and X-Linked Classification Criteria (2023). Collection method: clinical testing. Allele origin: unknown.
Comment: This variant is considered benign. This variant is a silent/synonymous amino acid change and it is not expected to impact splicing.

Ambry Genetics
Classification: Likely benign for Hereditary cancer-predisposing syndrome. Last evaluated: 2022-03-17. Review status: criteria provided, single submitter. Criteria: Ambry Variant Classification Scheme 2023. Collection method: clinical testing. Allele origin: germline.

Blueprint Genetics
Classification: Likely benign. Last evaluated: 2021-11-03. Review status: criteria provided, single submitter. Criteria: ACMG Guidelines, 2015. Collection method: clinical testing. Allele origin: germline.

NM_001903.5(CTNNA1):c.1797C>T (p.Ser599=)

Gene: CTNNA1 (catenin alpha 1; plus strand). Cytogenetic location: 5q31.2.
Variant type: single nucleotide variant.
Coding change: c.1797C>T on transcript NM_001903.5 (MANE Select); coding-DNA position 1797, C replaced by T.
Protein change: p.Ser599=; no amino-acid change (serine 599 retained).
Molecular consequence: synonymous variant.
Genome position (GRCh38, 1-based): chr5:138,925,305, C>T. VCF-style: chr5-138925305-C-T. GRCh37 (hg19) VCF-style: chr5-138260994-C-T.
Other names: c.1797C>T, p.Ser599= (NM_001290307.3, NM_001323982.2, NM_001323983.1 and 2 more transcripts); c.1488C>T, p.Ser496= (NM_001290309.3); c.1428C>T, p.Ser476= (NM_001290310.3); c.687C>T, p.Ser229= (NM_001290312.1, NM_001323987.1, NM_001323988.1 and 17 more transcripts); c.1704C>T, p.Ser568= (NM_001323986.2); c.348C>T, p.Ser116= (NM_001324006.1, NM_001324007.1, NM_001324008.1 and 2 more transcripts); c.594C>T, p.Ser198= (NM_001324011.1); c.444C>T, p.Ser148= (NM_001324012.1, NM_001324013.1).
Identifiers: ClinVar variation 695430 (VCV000695430.13), dbSNP rs1346496726, ClinGen allele CA446597350.